The following is an entry in ClinVar:

NM_001384140.1(PCDH15):c.1735T>G (p.Tyr579Asp)

Gene: PCDH15 (protocadherin related 15; minus strand). Cytogenetic location: 10q21.1.
Variant type: single nucleotide variant.
Coding change: c.1735T>G on transcript NM_001384140.1 (MANE Select); coding-DNA position 1735, T replaced by G.
Protein change: p.Tyr579Asp; replaces tyrosine 579 with aspartic acid.
Molecular consequence: missense variant.
Genome position (GRCh38, 1-based): chr10:54,153,149, A>C on the plus strand (T>G on the coding strand, the complement: PCDH15 is on the minus strand). VCF-style: chr10-54153149-A-C. GRCh37 (hg19) VCF-style: chr10-55912909-A-C.
Other names: c.1750T>G, p.Tyr584Asp (NM_001142763.2, NM_001142771.2); c.1735T>G, p.Tyr579Asp (NM_001142764.2, NM_001142765.2, NM_001142766.2 and 6 more transcripts); c.1624T>G, p.Tyr542Asp (NM_001142767.2); c.1669T>G, p.Tyr557Asp (NM_001142768.2, NM_001142773.2, NM_001354404.2); c.1771T>G, p.Tyr591Asp (NM_001142769.4); c.1756T>G, p.Tyr586Asp (NM_001354411.2); short protein forms Y579D, Y542D, Y557D, Y584D, Y591D, Y586D.
Identifiers: ClinVar variation 2007198 (VCV002007198.4), dbSNP rs2539026530, ClinGen allele CA376519238.
Genomic context (GRCh38, chr10:54,153,149, plus strand): 5'-ATATAAATTACCTTCGCTCTGCAGGAGGAGCATTATCCGCTGCTTGGACCGTGAGTGCGT[A>C]AGTCCGCCCGACTATCATTTCCACCCCTGGAGCGATGGTGATAAGCCCTGTTGTTTTATT-3'
Protein context (NP_001371069.1, residues 569-589): PGVEMIVGRT[Tyr579Asp]ALTVQAADNA

ClinVar aggregate classification (germline): Uncertain significance (1 of 4 stars; one submission).

Submission:

Labcorp Genetics (formerly Invitae), Labcorp
Classification: Uncertain significance. Last evaluated: 2022-06-15. Review status: criteria provided, single submitter. Criteria: Invitae Variant Classification Sherloc (09022015). Collection method: clinical testing. Allele origin: germline.
Comment: This sequence change replaces tyrosine, which is neutral and polar, with aspartic acid, which is acidic and polar, at codon 579 of the PCDH15 protein (p.Tyr579Asp). This variant is not present in population databases (gnomAD no frequency). This variant has not been reported in the literature in individuals affected with PCDH15-related conditions. Algorithms developed to predict the effect of missense changes on protein structure and function are either unavailable or do not agree on the potential impact of this missense change (SIFT: "Deleterious"; PolyPhen-2: "Probably Damaging"; Align-GVGD: "Class C0"). In summary, the available evidence is currently insufficient to determine the role of this variant in disease. Therefore, it has been classified as a Variant of Uncertain Significance.